The following is an entry in ClinVar:

ClinVar aggregate classification (germline): Conflicting classifications of pathogenicity. Review status: criteria provided, conflicting classifications (1 of 4 stars). 4 submissions from 4 submitters: Uncertain significance (2); Likely benign (1). 1 of the submissions does not count toward it. Last evaluated 2026-01-24.

Conditions:
COL7A1-related disorder. Also called: COL7A1- related disorders; COL7A1-related condition.
Inborn genetic diseases. Identifiers: MedGen C0950123, MeSH D030342.
Epidermolysis bullosa dystrophica. Also called: Dystrophic epidermolysis bullosa, Hallopeau-Siemens type (formerly); Dystrophic epidermolysis bullosa. Identifiers: Orphanet 303, MedGen C0079294, MONDO:0006543.

Allele frequency attached by ClinVar (database versions not stated): ExAC 0.00005; TOPMed 0.00006; ESP Exome Variant Server 0.00015; gnomAD 0.00002 and 0.00003; gnomAD exomes 0.00002 and 0.00004.
gnomAD v4.1: 38 of 1,613,750 alleles (0.0024%); highest among the groups gnomAD compares: Middle Eastern, 0.016%; no homozygotes.

Submissions (4):

Labcorp Genetics (formerly Invitae), Labcorp
Classification: Likely benign. Last evaluated: 2026-01-24. Review status: criteria provided, single submitter. Criteria: Invitae Variant Classification Sherloc (09022015). Collection method: clinical testing. Allele origin: germline.

PreventionGenetics, part of Exact Sciences
Classification: Uncertain significance for COL7A1-related condition. Last evaluated: 2025-08-21. Review status: criteria provided, single submitter. Criteria: ACMG Guidelines, 2015. Collection method: clinical testing. Allele origin: germline.
Comment: The COL7A1 c.2545G>A variant is predicted to result in the amino acid substitution p.Gly849Arg. To our knowledge, this variant has not been reported in the literature. This variant is reported in 0.020% of alleles in individuals of African descent in gnomAD. At this time, the clinical significance of this variant is uncertain due to the absence of conclusive functional and genetic evidence.

Ambry Genetics
Classification: Uncertain significance for Inborn genetic diseases. Last evaluated: 2023-12-13. Review status: criteria provided, single submitter. Criteria: Ambry Variant Classification Scheme 2023. Collection method: clinical testing. Allele origin: germline.

Natera, Inc.
Classification: Uncertain significance for Dystrophic epidermolysis bullosa. Last evaluated: 2020-02-06. Review status: no assertion criteria provided. Collection method: clinical testing. Allele origin: germline. Not counted in ClinVar's aggregate classification.

NM_000094.4(COL7A1):c.2545G>A (p.Gly849Arg)

Gene: COL7A1 (collagen type VII alpha 1 chain; minus strand). Cytogenetic location: 3p21.31.
Variant type: single nucleotide variant.
Coding change: c.2545G>A on transcript NM_000094.4 (MANE Select); coding-DNA position 2545, G replaced by A.
Protein change: p.Gly849Arg; replaces glycine 849 with arginine.
Molecular consequence: missense variant.
Genome position (GRCh38, 1-based): chr3:48,588,684, C>T on the plus strand (G>A on the coding strand, the complement: COL7A1 is on the minus strand). VCF-style: chr3-48588684-C-T. GRCh37 (hg19) VCF-style: chr3-48626117-C-T.
Other names: c.2545G>A (NM_000094.3); short protein forms G849R.
Identifiers: ClinVar variation 1003122 (VCV001003122.8), dbSNP rs367797946, ClinGen allele CA2380859.
Genomic context (GRCh38, chr3:48,588,684, plus strand): 5'-AGCGCATGCTCTGCCTACGCGTAGTGACAACAATGGAGACAGGTGTGCCCTCGCGGTCCC[C>T]GACAAGTGCAGTCACTCGCACTGAGTAGCTGACTCCACCTTCGAGACCCCGGATCTCTGC-3'
Protein context (NP_000085.1, residues 839-859): SYSVRVTALV[Gly849Arg]DREGTPVSIV